The following is an entry in ClinVar:

NM_004415.4(DSP):c.4199G>T (p.Arg1400Leu)

Gene: DSP (desmoplakin; plus strand). Cytogenetic location: 6p24.3.
Variant type: single nucleotide variant.
Coding change: c.4199G>T on transcript NM_004415.4 (MANE Select); coding-DNA position 4199, G replaced by T.
Protein change: p.Arg1400Leu; replaces arginine 1400 with leucine.
Molecular consequence: missense variant. On other transcripts: intron variant (2).
Genome position (GRCh38, 1-based): chr6:7,580,389, G>T. VCF-style: chr6-7580389-G-T. GRCh37 (hg19) VCF-style: chr6-7580622-G-T.
Other names: c.4050+149G>T (NM_001319034.2); c.3582+617G>T (NM_001008844.3); short protein forms R1400L.
Identifiers: ClinVar variation 2587392 (VCV002587392.4), dbSNP rs748109826, ClinGen allele CA362685771.

ClinVar aggregate classification (germline): Uncertain significance. Review status: criteria provided, multiple submitters, no conflicts (2 of 4 stars). 3 submissions from 3 submitters: Uncertain significance (3). Last evaluated 2026-01-14.

Conditions:
Cardiovascular phenotype. Identifiers: MedGen CN230736.
Arrhythmogenic cardiomyopathy with wooly hair and keratoderma. Also called: Carvajal syndrome; Arrhythmogenic cardiomyopathy with woolly hair and keratoderma; PALMOPLANTAR KERATODERMA WITH LEFT VENTRICULAR CARDIOMYOPATHY AND WOOLLY HAIR; Dilated cardiomyopathy with woolly hair and keratoderma. Identifiers: Orphanet 65282, MedGen C1854063, MONDO:0011581, OMIM 605676.
Arrhythmogenic right ventricular dysplasia 8 (ARVD8). Also called: Arrhythmogenic Right Ventricular Dysplasia/Cardiomyopathy 8; ARRHYTHMOGENIC RIGHT VENTRICULAR DYSPLASIA, FAMILIAL, 8; ARRHYTHMOGENIC RIGHT VENTRICULAR CARDIOMYOPATHY 8. Identifiers: MedGen C1843896, MONDO:0011831, OMIM 607450.

Submissions (3):

Labcorp Genetics (formerly Invitae), Labcorp
Classification: Uncertain significance for Arrhythmogenic cardiomyopathy with wooly hair and keratoderma; Arrhythmogenic right ventricular dysplasia 8. Last evaluated: 2026-01-14. Review status: criteria provided, single submitter. Criteria: Invitae Variant Classification Sherloc (09022015). Collection method: clinical testing. Allele origin: germline.
Comment: This sequence change replaces arginine, which is basic and polar, with leucine, which is neutral and non-polar, at codon 1400 of the DSP protein (p.Arg1400Leu). This variant is not present in population databases (gnomAD no frequency). This variant has not been reported in the literature in individuals affected with DSP-related conditions. ClinVar contains an entry for this variant (Variation ID: 2587392). An algorithm developed to predict the effect of missense changes on protein structure and function (PolyPhen-2) suggests that this variant is likely to be disruptive. In summary, the available evidence is currently insufficient to determine the role of this variant in disease. Therefore, it has been classified as a Variant of Uncertain Significance.

GeneDx
Classification: Uncertain significance. Last evaluated: 2024-04-12. Review status: criteria provided, single submitter. Criteria: GeneDx Variant Classification Process June 2021. Collection method: clinical testing. Allele origin: germline. Affected: yes.
Comment: Has not been previously published as pathogenic or benign to our knowledge; Not observed at significant frequency in large population cohorts (gnomAD); In silico analysis indicates that this missense variant does not alter protein structure/function

Ambry Genetics
Classification: Uncertain significance for Cardiovascular phenotype. Last evaluated: 2023-07-22. Review status: criteria provided, single submitter. Criteria: Ambry Variant Classification Scheme 2023. Collection method: clinical testing. Allele origin: germline.
Comment: The p.R1400L variant (also known as c.4199G>T), located in coding exon 23 of the DSP gene, results from a G to T substitution at nucleotide position 4199. The arginine at codon 1400 is replaced by leucine, an amino acid with dissimilar properties. This amino acid position is conserved. In addition, the in silico prediction for this alteration is inconclusive. Since supporting evidence is limited at this time, the clinical significance of this alteration remains unclear.